The following is an entry in ClinVar:

ClinVar aggregate classification (germline): Uncertain significance (1 of 4 stars; one submission).

Allele frequency attached by ClinVar (database versions not stated): gnomAD exomes 0.00001; ExAC 0.00002.
gnomAD v4.1: 14 of 1,585,164 alleles (0.00088%); highest among the groups gnomAD compares: Non-Finnish European, 0.0012%; no homozygotes.

Submission:

Labcorp Genetics (formerly Invitae), Labcorp
Classification: Uncertain significance. Last evaluated: 2022-07-21. Review status: criteria provided, single submitter. Criteria: Invitae Variant Classification Sherloc (09022015). Collection method: clinical testing. Allele origin: germline.
Comment: Algorithms developed to predict the effect of missense changes on protein structure and function output the following: SIFT: "Tolerated"; PolyPhen-2: "Benign"; Align-GVGD: "Class C0". The glutamine amino acid residue is found in multiple mammalian species, which suggests that this missense change does not adversely affect protein function. This variant has not been reported in the literature in individuals affected with TJP2-related conditions. The frequency data for this variant in the population databases is considered unreliable, as metrics indicate poor data quality at this position in the gnomAD database. This sequence change replaces arginine, which is basic and polar, with glutamine, which is neutral and polar, at codon 189 of the TJP2 protein (p.Arg189Gln). In summary, the available evidence is currently insufficient to determine the role of this variant in disease. Therefore, it has been classified as a Variant of Uncertain Significance.

NM_004817.4(TJP2):c.566G>A (p.Arg189Gln)

Gene: TJP2 (tight junction protein 2; plus strand). Cytogenetic location: 9q21.11.
Variant type: single nucleotide variant.
Coding change: c.566G>A on transcript NM_004817.4 (MANE Select); coding-DNA position 566, G replaced by A.
Protein change: p.Arg189Gln; replaces arginine 189 with glutamine.
Molecular consequence: missense variant.
Genome position (GRCh38, 1-based): chr9:69,221,110, G>A. VCF-style: chr9-69221110-G-A. GRCh37 (hg19) VCF-style: chr9-71836026-G-A.
Other names: c.497G>A, p.Arg166Gln (NM_001170414.2, NM_001369870.1, NM_001369871.1); c.578G>A, p.Arg193Gln (NM_001170415.1, NM_001369874.1, NM_001369875.1); c.659G>A, p.Arg220Gln (NM_001170416.2); c.566G>A, p.Arg189Gln (NM_001369872.1, NM_001369873.1, NM_201629.3); short protein forms R220Q, R166Q, R193Q, R189Q.
Identifiers: ClinVar variation 1946300 (VCV001946300.5), dbSNP rs755883991, ClinGen allele CA5073033.